The following is an entry in ClinVar:

ClinVar aggregate classification (germline): Benign (1 of 4 stars; one submission).

Conditions:
Hereditary sensory and autonomic neuropathy with spastic paraplegia (HSNSP). Identifiers: Orphanet 139578, MedGen C1850395, MONDO:0009748, OMIM 256840.

Allele frequency attached by ClinVar (database versions not stated): gnomAD 0.00330 and 0.00354; TOPMed 0.00377; 1000 Genomes Project 30x 0.00453; 1000 Genomes Project 0.00499.

Submission:

Illumina Laboratory Services, Illumina
Classification: Benign for Hereditary sensory and autonomic neuropathy with spastic paraplegia. Last evaluated: 2018-01-12. Review status: criteria provided, single submitter. Criteria: ICSL Variant Classification Criteria 13 December 2019. Collection method: clinical testing. Allele origin: germline.
Comment: This variant was observed in the ICSL laboratory as part of a predisposition screen in an ostensibly healthy population. It had not been previously curated by ICSL or reported in the Human Gene Mutation Database (HGMD: prior to June 1st, 2018), and was therefore a candidate for classification through an automated scoring system. Utilizing variant allele frequency, disease prevalence and penetrance estimates, and inheritance mode, an automated score was calculated to assess if this variant is too frequent to cause the disease. Based on the score and internal cut-off values, a variant classified as benign is not then subjected to further curation. The score for this variant resulted in a classification of benign for this disease.

NM_012073.5(CCT5):c.*670T>A

Gene: CCT5 (chaperonin containing TCP1 subunit 5; plus strand). Cytogenetic location: 5p15.2.
Variant type: single nucleotide variant.
Coding change: c.*670T>A on transcript NM_012073.5 (MANE Select); 670 bases downstream of the stop codon, T replaced by A.
Molecular consequence: 3 prime UTR variant.
Genome position (GRCh38, 1-based): chr5:10,265,453, T>A. VCF-style: chr5-10265453-T-A. GRCh37 (hg19) VCF-style: chr5-10265565-T-A.
Other names: c.*670T>A (NM_001306153.1, NM_001306154.2, NM_001306155.2 and 1 more transcripts).
Identifiers: ClinVar variation 906177 (VCV000906177.4), dbSNP rs114402073, ClinGen allele CA113887118.